The following is an entry in ClinVar:

ClinVar aggregate classification (germline): Likely benign (1 of 4 stars; one submission).

Conditions:
MC3R-related disorder. Also called: MC3R-related condition.

Submission:

PreventionGenetics, part of Exact Sciences
Classification: Likely benign for MC3R-related condition. Last evaluated: 2025-09-09. Review status: criteria provided, single submitter. Criteria: ACMG Guidelines, 2015. Collection method: clinical testing. Allele origin: germline.
Comment: This variant is classified as likely benign based on ACMG/AMP sequence variant interpretation guidelines (Richards et al. 2015 PMID: 25741868, with internal and published modifications).

NM_019888.3(MC3R):c.681C>T (p.Ala227=)

Gene: MC3R (melanocortin 3 receptor; plus strand). Cytogenetic location: 20q13.2.
Variant type: single nucleotide variant.
Coding change: c.681C>T on transcript NM_019888.3 (MANE Select); coding-DNA position 681, C replaced by T.
Protein change: p.Ala227=; no amino-acid change (alanine 227 retained).
Molecular consequence: synonymous variant.
Genome position (GRCh38, 1-based): chr20:56,249,524, C>T. VCF-style: chr20-56249524-C-T. GRCh37 (hg19) VCF-style: chr20-54824580-C-T.
Identifiers: ClinVar variation 4984528 (VCV004984528.1).
Genomic context (GRCh38, chr20:56,249,524, plus strand): 5'-CGTGCACATGTTCCTCTTTGCGCGGCTGCACGTCAAGCGCATAGCAGCACTGCCACCTGC[C>T]GACGGGGTGGCCCCACAGCAACACTCATGCATGAAGGGGGCAGTCACCATCACCATTCTC-3'
Protein context (NP_063941.3, residues 217-237): HVKRIAALPP[Ala227=]DGVAPQQHSC